The following is an entry in ClinVar:

NM_003660.4(PPFIA3):c.3456dup (p.Asn1153fs)

Genes: PPFIA3 (PTPRF interacting protein alpha 3; plus strand), LOC130064904 (ATAC-STARR-seq lymphoblastoid active region 14927; plus strand). Cytogenetic location: 19q13.33.
Variant type: Duplication.
Coding change: c.3456dup on transcript NM_003660.4 (MANE Select); coding-DNA position 3456, one base duplicated (C; older notation c.3456dupC).
Protein change: p.Asn1153fs; shifts the reading frame from asparagine 1153.
Molecular consequence: frameshift variant. On other transcripts: non-coding transcript variant (1).
Genome position (GRCh38, 1-based): chr19:49,149,648, C duplicated; the last of 6 consecutive C bases (chr19:49,149,643-49,149,648); duplicating any one gives the same sequence. VCF-style (leftmost placement, unchanged base first): chr19-49149642-G-GC. GRCh37 (hg19) VCF-style: chr19-49652899-G-GC.
Other names: short protein forms N1153fs.
Identifiers: ClinVar variation 3776513 (VCV003776513.1).

ClinVar aggregate classification (germline): Likely pathogenic (1 of 4 stars; one submission).

Submission:

GeneDx
Classification: Likely pathogenic. Last evaluated: 2024-10-02. Review status: criteria provided, single submitter. Criteria: GeneDx Variant Classification Process June 2021. Collection method: clinical testing. Allele origin: germline. Affected: yes.
Comment: Frameshift variant predicted to result in abnormal protein length as the last 42 amino acid(s) are replaced with 48 different amino acid(s) with an unclear effect on protein function; Not observed at significant frequency in large population cohorts (gnomAD); Has not been previously published as pathogenic or benign to our knowledge